The following is an entry in ClinVar:

ClinVar aggregate classification (germline): Uncertain significance (1 of 4 stars; one submission).

Conditions:
Familial cancer of breast. Also called: hereditary breast carcinoma; Hereditary breast cancer; BREAST CANCER, FAMILIAL. Identifiers: Orphanet 227535, MedGen C0346153, MONDO:0016419, OMIM 114480. Disease mechanism: loss of function.

Submission:

Labcorp Genetics (formerly Invitae), Labcorp
Classification: Uncertain significance for Familial cancer of breast. Last evaluated: 2021-12-11. Review status: criteria provided, single submitter. Criteria: Invitae Variant Classification Sherloc (09022015). Collection method: clinical testing. Allele origin: germline.
Comment: In summary, the available evidence is currently insufficient to determine the role of this variant in disease. Therefore, it has been classified as a Variant of Uncertain Significance. Algorithms developed to predict the effect of missense changes on protein structure and function are either unavailable or do not agree on the potential impact of this missense change (SIFT: "Deleterious"; PolyPhen-2: "Benign"; Align-GVGD: "Class C25"). This variant has not been reported in the literature in individuals affected with BARD1-related conditions. This variant is not present in population databases (gnomAD no frequency). This sequence change replaces valine, which is neutral and non-polar, with isoleucine, which is neutral and non-polar, at codon 240 of the BARD1 protein (p.Val240Ile).

NM_000465.4(BARD1):c.718G>A (p.Val240Ile)

Gene: BARD1 (BRCA1 associated RING domain 1; minus strand). Cytogenetic location: 2q35.
Variant type: single nucleotide variant.
Coding change: c.718G>A on transcript NM_000465.4 (MANE Select); coding-DNA position 718, G replaced by A.
Protein change: p.Val240Ile; replaces valine 240 with isoleucine.
Molecular consequence: missense variant. On other transcripts: non-coding transcript variant (2), intron variant (3).
Genome position (GRCh38, 1-based): chr2:214,781,156, C>T on the plus strand (G>A on the coding strand, the complement: BARD1 is on the minus strand). VCF-style: chr2-214781156-C-T. GRCh37 (hg19) VCF-style: chr2-215645880-C-T.
Other names: c.661G>A, p.Val221Ile (NM_001282543.2); c.158+28256G>A (NM_001282548.2); c.215+15905G>A (NM_001282545.2); c.364+11141G>A (NM_001282549.2); short protein forms V221I, V240I.
Identifiers: ClinVar variation 1502786 (VCV001502786.7), dbSNP rs2106110857, ClinGen allele CA350456275.
Genomic context (GRCh38, chr2:214,781,156, plus strand): 5'-AGTCTATTTCACCATTTATCTGAGGACTGGAGATAACAGATGGTTGGCTACAGAAGGATA[C>T]CAGCTTTTGCTTAGATTCCTCTTTGGAGTCAAATTCACCATCTTCTTTTTCTGCCTCTAA-3'
Protein context (NP_000456.2, residues 230-250): DSKEESKQKL[Val240Ile]SFCSQPSVIS